The following is an entry in ClinVar:

NM_001130823.3(DNMT1):c.317G>A (p.Arg106His)

Gene: DNMT1 (DNA methyltransferase 1; minus strand). Cytogenetic location: 19p13.2.
Variant type: single nucleotide variant.
Coding change: c.317G>A on transcript NM_001130823.3 (MANE Select); coding-DNA position 317, G replaced by A.
Protein change: p.Arg106His; replaces arginine 106 with histidine.
Molecular consequence: missense variant. On other transcripts: 5 prime UTR variant (1).
Genome position (GRCh38, 1-based): chr19:10,180,478, C>T on the plus strand (G>A on the coding strand, the complement: DNMT1 is on the minus strand). VCF-style: chr19-10180478-C-T. GRCh37 (hg19) VCF-style: chr19-10291154-C-T.
Other names: c.317G>A, p.Arg106His (NM_001318730.2, NM_001379.4); c.-47G>A (NM_001318731.2); short protein forms R106H.
Identifiers: ClinVar variation 1419464 (VCV001419464.12), dbSNP rs751662619, ClinGen allele CA9188796.

ClinVar aggregate classification (germline): Conflicting classifications of pathogenicity. Review status: criteria provided, conflicting classifications (1 of 4 stars). 2 submissions from 2 submitters: Uncertain significance (1); Likely benign (1). Last evaluated 2026-02-01.

Conditions:
Hereditary sensory neuropathy-deafness-dementia syndrome. Also called: Hereditary Sensory and Autonomic Neuropathy Type 1E (HSAN1E); HSN IE; NEUROPATHY, HEREDITARY SENSORY, WITH HEARING LOSS AND DEMENTIA; Hereditary sensory neuropathy type IE. Identifiers: Orphanet 456318, MedGen C3279885, MONDO:0013584, OMIM 614116.

Allele frequency attached by ClinVar (database versions not stated): gnomAD 0.00001; ExAC 0.00003; gnomAD exomes 0.00003.

Submissions (2):

CeGaT Center for Human Genetics Tuebingen
Classification: Likely benign. Last evaluated: 2026-02-01. Review status: criteria provided, single submitter. Criteria: CeGaT Center For Human Genetics Tuebingen Variant Classification Criteria Version 2. Collection method: clinical testing. Allele origin: germline. Affected: yes. Observed: 1 variant allele.
Comment: DNMT1: BP4

Labcorp Genetics (formerly Invitae), Labcorp
Classification: Uncertain significance for Hereditary sensory neuropathy-deafness-dementia syndrome. Last evaluated: 2024-11-05. Review status: criteria provided, single submitter. Criteria: Invitae Variant Classification Sherloc (09022015). Collection method: clinical testing. Allele origin: germline.
Comment: This sequence change replaces arginine, which is basic and polar, with histidine, which is basic and polar, at codon 106 of the DNMT1 protein (p.Arg106His). This variant is present in population databases (rs751662619, gnomAD 0.01%). This variant has not been reported in the literature in individuals affected with DNMT1-related conditions. ClinVar contains an entry for this variant (Variation ID: 1419464). An algorithm developed to predict the effect of missense changes on protein structure and function outputs the following: PolyPhen-2: "Benign". The histidine amino acid residue is found in multiple mammalian species, which suggests that this missense change does not adversely affect protein function. In summary, the available evidence is currently insufficient to determine the role of this variant in disease. Therefore, it has been classified as a Variant of Uncertain Significance.